The following is an entry in ClinVar:

ClinVar aggregate classification (germline): Uncertain significance (1 of 4 stars; one submission).

Conditions:
Leukoencephalopathy, diffuse hereditary, with spheroids 1 (HDLS1). Also called: CSF1R-related adult-onset leukoencephalopathy with axonal spheroids and pigmented glia; SUBCORTICAL GLIOSIS OF NEUMANN; DEMENTIA, FAMILIAL, NEUMANN TYPE. Identifiers: Orphanet 313808, MedGen C5561929, MONDO:0800027, OMIM 221820.
Brain abnormalities, neurodegeneration, and dysosteosclerosis. Identifiers: MedGen C5193117, MONDO:0032772, OMIM 618476.

gnomAD v4.1: 5 of 1,613,994 alleles (0.00031%); highest among the groups gnomAD compares: East Asian, 0.0089%; no homozygotes.

Submission:

Juno Genomics, Hangzhou Juno Genomics, Inc
Classification: Uncertain significance for Brain abnormalities, neurodegeneration, and dysosteosclerosis; Leukoencephalopathy, diffuse hereditary, with spheroids 1. Review status: criteria provided, single submitter. Criteria: ACMG Guidelines, 2015. Collection method: clinical testing. Allele origin: germline.
Comment: Absent from controls (or at extremely low frequency if recessive) in Genome Aggregation Database.;Multiple lines of computational evidence support a deleterious effect on the gene or gene product.

NM_001288705.3(CSF1R):c.1631C>T (p.Pro544Leu)

Gene: CSF1R (colony stimulating factor 1 receptor; minus strand). Cytogenetic location: 5q32.
Variant type: single nucleotide variant.
Coding change: c.1631C>T on transcript NM_001288705.3 (MANE Select); coding-DNA position 1631, C replaced by T.
Protein change: p.Pro544Leu; replaces proline 544 with leucine.
Molecular consequence: missense variant. On other transcripts: non-coding transcript variant (2).
Genome position (GRCh38, 1-based): chr5:150,061,845, G>A on the plus strand (C>T on the coding strand, the complement: CSF1R is on the minus strand). VCF-style: chr5-150061845-G-A. GRCh37 (hg19) VCF-style: chr5-149441408-G-A.
Other names: c.1631C>T, p.Pro544Leu (NM_001349736.2, NM_001375320.1, NM_005211.4); c.1187C>T, p.Pro396Leu (NM_001375321.1); short protein forms P544L, P396L.
Identifiers: ClinVar variation 5006857 (VCV005006857.2).
Genomic context (GRCh38, chr5:150,061,845, plus strand): 5'-ATGAAAGTATAACTGTTGCCCTCATAGCTCTCGATGATCTTCCAGCGGACCTGGTACTTG[G>A]GCTTCTGCAGAAGAGGAAGGGAGCACGTGGCAGTCGGGGCTGGCAGGCAGTTCCTGGACC-3'
Protein context (NP_001275634.1, residues 534-554): LLLLYKYKQK[Pro544Leu]KYQVRWKIIE